The following is an entry in ClinVar:

ClinVar aggregate classification (germline): Uncertain significance (1 of 4 stars; one submission).

Submission:

GeneDx
Classification: Uncertain significance. Last evaluated: 2025-01-22. Review status: criteria provided, single submitter. Criteria: GeneDx Variant Classification Process June 2021. Collection method: clinical testing. Allele origin: germline. Affected: yes.
Comment: Not observed at significant frequency in large population cohorts (gnomAD); In silico analysis supports that this missense variant has a deleterious effect on protein structure/function; Has not been previously published as pathogenic or benign to our knowledge; Located in one of the three hot-spot regions of the RYR2 gene, where the majority of pathogenic missense variants occur (PMID: 19926015); This variant is associated with the following publications: (PMID: 19926015)

NM_001035.3(RYR2):c.12583G>C (p.Asp4195His)

Genes: RYR2 (ryanodine receptor 2; plus strand), LOC126806068 (BRD4-independent group 4 enhancer GRCh37_chr1:237947411-237948610; plus strand). Cytogenetic location: 1q43.
Variant type: single nucleotide variant.
Coding change: c.12583G>C on transcript NM_001035.3 (MANE Select); coding-DNA position 12583, G replaced by C.
Protein change: p.Asp4195His; replaces aspartic acid 4195 with histidine.
Molecular consequence: missense variant.
Genome position (GRCh38, 1-based): chr1:237,784,295, G>C. VCF-style: chr1-237784295-G-C. GRCh37 (hg19) VCF-style: chr1-237947595-G-C.
Other names: short protein forms D4195H.
Identifiers: ClinVar variation 4071675 (VCV004071675.1).
Genomic context (GRCh38, chr1:237,784,295, plus strand): 5'-GACGTGGTCAACGAAGGCGGAGAGAAAGAGAAGATGGAACTCTTTGTGAACTTCTGCGAG[G>C]ACACCATCTTTGAAATGCAGCTGGCGGCTCAGATCTCGGAGTCGGACTTGAACGAGAGGT-3'
Protein context (NP_001026.2, residues 4185-4205): KMELFVNFCE[Asp4195His]TIFEMQLAAQ